The following is an entry in ClinVar:

NM_001008212.2(OPTN):c.1401+1G>A

Gene: OPTN (optineurin; plus strand). Cytogenetic location: 10p13.
Variant type: single nucleotide variant.
Coding change: c.1401+1G>A on transcript NM_001008212.2 (MANE Select); the canonical splice donor site of the intron after coding-DNA position 1401, G replaced by A.
Molecular consequence: splice donor variant.
Genome position (GRCh38, 1-based): chr10:13,127,904, G>A. VCF-style: chr10-13127904-G-A. GRCh37 (hg19) VCF-style: chr10-13169904-G-A.
Other names: c.1401+1G>A (NM_001008211.1, NM_001008213.1, NM_021980.4).
Identifiers: ClinVar variation 1066711 (VCV001066711.7), dbSNP rs1370982012, ClinGen allele CA376030131.

ClinVar aggregate classification (germline): Likely pathogenic (1 of 4 stars; one submission).

Conditions:
Amyotrophic lateral sclerosis type 12 (ALS12). Also called: AMYOTROPHIC LATERAL SCLEROSIS 12 WITH OR WITHOUT FRONTOTEMPORAL DEMENTIA. Identifiers: Orphanet 803, MedGen C3150692, MONDO:0013264, OMIM 613435.
Primary open angle glaucoma (POAG). Also called: OPTN-related open angle glaucoma. Identifiers: MedGen C0339573, MONDO:0100553, OMIM 137760.
Glaucoma 1, open angle, E. Identifiers: MedGen C1842026, MONDO:0007665.

Allele frequency attached by ClinVar (database versions not stated): gnomAD exomes below 0.00001.

Submission:

Labcorp Genetics (formerly Invitae), Labcorp
Classification: Likely pathogenic for Primary open angle glaucoma; Glaucoma 1, open angle, E; Amyotrophic lateral sclerosis type 12. Last evaluated: 2020-03-05. Review status: criteria provided, single submitter. Criteria: Invitae Variant Classification Sherloc (09022015). Collection method: clinical testing. Allele origin: germline.
Comment: Donor and acceptor splice site variants typically lead to a loss of protein function (PMID: 16199547), and loss-of-function variants in OPTN are known to be pathogenic (PMID: 20428114). Algorithms developed to predict the effect of sequence changes on RNA splicing suggest that this variant may disrupt the consensus splice site, but this prediction has not been confirmed by published transcriptional studies. This variant has not been reported in the literature in individuals with OPTN-related conditions. This variant is not present in population databases (ExAC no frequency). This sequence change affects a donor splice site in intron 11 of the OPTN gene. It is expected to disrupt RNA splicing and likely results in an absent or disrupted protein product. In summary, the currently available evidence indicates that the variant is pathogenic, but additional data are needed to prove that conclusively. Therefore, this variant has been classified as Likely Pathogenic.

Literature cited by the submitters: PubMed 16199547; PubMed 20428114.